The following is an entry in ClinVar:

ClinVar aggregate classification (germline): Uncertain significance (1 of 4 stars; one submission).

Submission:

Labcorp Genetics (formerly Invitae), Labcorp
Classification: Uncertain significance. Last evaluated: 2023-11-08. Review status: criteria provided, single submitter. Criteria: Invitae Variant Classification Sherloc (09022015). Collection method: clinical testing. Allele origin: germline.
Comment: This sequence change replaces serine, which is neutral and polar, with asparagine, which is neutral and polar, at codon 13 of the POMP protein (p.Ser13Asn). This variant is not present in population databases (gnomAD no frequency). This variant has not been reported in the literature in individuals affected with POMP-related conditions. An algorithm developed to predict the effect of missense changes on protein structure and function (PolyPhen-2) suggests that this variant is likely to be disruptive. In summary, the available evidence is currently insufficient to determine the role of this variant in disease. Therefore, it has been classified as a Variant of Uncertain Significance.

NM_015932.6(POMP):c.38G>A (p.Ser13Asn)

Gene: POMP (proteasome maturation protein; plus strand). Cytogenetic location: 13q12.3.
Variant type: single nucleotide variant.
Coding change: c.38G>A on transcript NM_015932.6 (MANE Select); coding-DNA position 38, G replaced by A.
Protein change: p.Ser13Asn; replaces serine 13 with asparagine.
Molecular consequence: missense variant.
Genome position (GRCh38, 1-based): chr13:28,662,444, G>A. VCF-style: chr13-28662444-G-A. GRCh37 (hg19) VCF-style: chr13-29236581-G-A.
Other names: short protein forms S13N.
Identifiers: ClinVar variation 2793484 (VCV002793484.3), dbSNP rs2541633576, ClinGen allele CA387802122.